The following is an entry in ClinVar:

ClinVar aggregate classification (germline): Pathogenic/Likely pathogenic. Review status: criteria provided, multiple submitters, no conflicts (2 of 4 stars). 5 submissions from 5 submitters: Pathogenic (1); Likely pathogenic (4). Last evaluated 2025-06-13.

Conditions:
Leber congenital amaurosis 10 (LCA10). Identifiers: Orphanet 65, MedGen C1857821, MONDO:0012723, OMIM 611755.
Bardet-Biedl syndrome 14 (BBS14). Identifiers: Orphanet 110, MedGen C2673874, MONDO:0014442, OMIM 615991.
CEP290-related disorder. Also called: CEP290-related condition; CEP290-related disorders. Identifiers: MedGen CN239314.
Meckel-Gruber syndrome. Also called: DYSENCEPHALIA SPLANCHNOCYSTICA; GRUBER SYNDROME; Dysencephalia splachnocystica. Identifiers: Orphanet 564, MedGen C0265215, MONDO:0018921.
Joubert syndrome. Also called: Familial aplasia of the vermis; JOUBERT-BOLTSHAUSER SYNDROME. Identifiers: Orphanet 475, MedGen C5979921, MONDO:0018772.
Nephronophthisis. Also called: Juvenile Nephronophthisis. Identifiers: Orphanet 655, MedGen C0687120, MONDO:0019005, HP:0000090.
Leber congenital amaurosis (LCA). Also called: Leber's amaurosis. Identifiers: Orphanet 65, MedGen C0339527, MeSH D057130, MONDO:0018998.

Submissions (5):

Natera, Inc.
Classification: Likely pathogenic for Leber congenital amaurosis. Last evaluated: 2025-06-13. Review status: criteria provided, single submitter. Criteria: Natera Variant Classification Schema (03/2026). Collection method: clinical testing. Allele origin: germline.
Comment: The c.6919_6920del variant in CEP290 is a frameshift variant predicted to shift the reading frame beginning at codon 2307 and leads to a stop codon 4 codons downstream. This variant is expected to result in nonsense mediated decay, truncation, or a dysfunctional protein product. This variant is rare in the general population with a frequency below the threshold expected for the associated phenotype(s). Given the available evidence, this variant is classified as Likely Pathogenic.

Blueprint Genetics
Classification: Likely pathogenic for CEP290-related disorders. Last evaluated: 2024-02-14. Review status: criteria provided, single submitter. Criteria: ACMG Guidelines, 2015. Collection method: clinical testing. Allele origin: germline. Affected: yes. Observed: 4 variant alleles.

Baylor Genetics
Classification: Likely pathogenic for Bardet-Biedl syndrome 14. Last evaluated: 2023-11-17. Review status: criteria provided, single submitter. Criteria: ACMG Guidelines, 2015. Collection method: clinical testing. Allele origin: unknown.

Labcorp Genetics (formerly Invitae), Labcorp
Classification: Pathogenic for Joubert syndrome; Meckel-Gruber syndrome; Nephronophthisis. Last evaluated: 2022-02-24. Review status: criteria provided, single submitter. Criteria: Invitae Variant Classification Sherloc (09022015). Collection method: clinical testing. Allele origin: germline.
Comment: For these reasons, this variant has been classified as Pathogenic. ClinVar contains an entry for this variant (Variation ID: 960022). This variant has not been reported in the literature in individuals affected with CEP290-related conditions. This variant is not present in population databases (gnomAD no frequency). This sequence change creates a premature translational stop signal (p.Glu2307Thrfs*4) in the CEP290 gene. It is expected to result in an absent or disrupted protein product. Loss-of-function variants in CEP290 are known to be pathogenic (PMID: 16909394, 17345604, 20690115).

Ocular Genomics Institute, Massachusetts Eye and Ear
Classification: Likely pathogenic for Leber congenital amaurosis 10. Last evaluated: 2021-04-08. Review status: criteria provided, single submitter. Criteria: ACMG Guidelines, 2015. Collection method: research. Allele origin: germline. Affected: yes.
Comment: Through a review of available evidence we were able to apply the following criteria: PM2, PVS1. Based on this evidence we have classified this variant as Likely Pathogenic.

Literature cited by the submitters: PubMed 16909394 (cited by Labcorp Genetics (formerly Invitae), Labcorp); PubMed 17345604 (cited by Labcorp Genetics (formerly Invitae), Labcorp); PubMed 20690115 (cited by Labcorp Genetics (formerly Invitae), Labcorp).

NM_025114.4(CEP290):c.6919_6920del (p.Glu2307fs)

Gene: CEP290 (centrosomal protein 290; minus strand). Cytogenetic location: 12q21.32.
Variant type: Microsatellite.
Coding change: c.6919_6920del on transcript NM_025114.4 (MANE Select); coding-DNA positions 6919 to 6920, 2 bases deleted (GA; older notation c.6919_6920delGA).
Protein change: p.Glu2307fs; shifts the reading frame from glutamic acid 2307.
Molecular consequence: frameshift variant.
Genome position (GRCh38, 1-based): chr12:88,055,616-88,055,617, TC deleted on the plus strand (GA on the coding strand, the reverse complement: CEP290 is on the minus strand); deleting any 2 consecutive bases within chr12:88,055,616-88,055,624 gives the same sequence; the c. name uses the placement nearest the transcript's 3' end. VCF-style (leftmost placement, unchanged base first): chr12-88055615-TTC-T. GRCh37 (hg19) VCF-style: chr12-88449392-TTC-T.
Other names: short protein forms E2307fs.
Identifiers: ClinVar variation 960022 (VCV000960022.12), dbSNP rs1177923180, ClinGen allele CA2052903253.